The following is an entry in ClinVar:

NM_000059.4(BRCA2):c.4474A>T (p.Lys1492Ter)

Gene: BRCA2 (BRCA2 DNA repair associated; plus strand). Cytogenetic location: 13q13.1.
Variant type: single nucleotide variant.
Coding change: c.4474A>T on transcript NM_000059.4 (MANE Select); coding-DNA position 4474, A replaced by T.
Protein change: p.Lys1492Ter; replaces lysine 1492 with a stop codon.
Molecular consequence: nonsense.
Genome position (GRCh38, 1-based): chr13:32,338,829, A>T. VCF-style: chr13-32338829-A-T. GRCh37 (hg19) VCF-style: chr13-32912966-A-T.
Other names: short protein forms K1492*.
Identifiers: ClinVar variation 372066 (VCV000372066.14), dbSNP rs1057517636, ClinGen allele CA16042139.
Genomic context (GRCh38, chr13:32,338,829, plus strand): 5'-AAGAACAAAATGGACATTCTAAGTTATGAGGAAACAGACATAGTTAAACACAAAATACTG[A>T]AAGAAAGTGTCCCAGTTGGTACTGGAAATCAACTAGTGACCTTCCAGGGACAACCCGAAC-3'

ClinVar aggregate classification (germline): Pathogenic. Review status: criteria provided, multiple submitters, no conflicts (2 of 4 stars). 4 submissions from 4 submitters: Pathogenic (3). 1 of the submissions does not count toward it. Last evaluated 2023-05-13.

Conditions:
Hereditary cancer-predisposing syndrome. Also called: Tumor predisposition; Hereditary Cancer Syndrome; Hereditary neoplastic syndrome; Neoplastic Syndromes, Hereditary. Identifiers: Orphanet 140162, MedGen C0027672, MeSH D009386, MONDO:0015356.
BRCA2-related cancer predisposition. Identifiers: MedGen CN377758, MONDO:0700269.
Hereditary breast ovarian cancer syndrome. Also called: Hereditary breast and ovarian cancer; Hereditary breast and/or ovarian cancer syndrome; Hereditary breast and ovarian cancer syndrome (HBOC); Breast and ovarian cancer; BRCA1- and BRCA2-Associated Hereditary Breast and Ovarian Cancer; Hereditary breast and ovarian cancer syndrome. Identifiers: Orphanet 145, MedGen C0677776, MeSH D061325, MONDO:0003582. Disease mechanism: loss of function.
Breast-ovarian cancer, familial, susceptibility to, 2 (BROVCA2). Also called: BRCA2 Hereditary Breast and Ovarian Cancer. Identifiers: Orphanet 145, MedGen C2675520, MONDO:0012933, OMIM 612555. Disease mechanism: loss of function.

Submissions (4):

Labcorp Genetics (formerly Invitae), Labcorp
Classification: Pathogenic for Hereditary breast ovarian cancer syndrome. Last evaluated: 2023-05-13. Review status: criteria provided, single submitter. Criteria: Invitae Variant Classification Sherloc (09022015). Collection method: clinical testing. Allele origin: germline.
Comment: For these reasons, this variant has been classified as Pathogenic. This sequence change creates a premature translational stop signal (p.Lys1492*) in the BRCA2 gene. It is expected to result in an absent or disrupted protein product. Loss-of-function variants in BRCA2 are known to be pathogenic (PMID: 20104584). This variant is not present in population databases (gnomAD no frequency). This premature translational stop signal has been observed in individual(s) with breast and/or ovarian cancer. (PMID: 28294317, 30702160). ClinVar contains an entry for this variant (Variation ID: 372066).

Department of Pathology and Laboratory Medicine, Sinai Health System
Classification: Pathogenic for BRCA2-related cancer predisposition. Last evaluated: 2020-09-17. Review status: criteria provided, single submitter. Criteria: ACMG Guidelines, 2015. Collection method: clinical testing. Allele origin: germline. Affected: no.

Ambry Genetics
Classification: Pathogenic for Hereditary cancer-predisposing syndrome. Last evaluated: 2017-09-27. Review status: criteria provided, single submitter. Criteria: Ambry Variant Classification Scheme 2023. Collection method: clinical testing. Allele origin: germline.
Comment: The p.K1492* pathogenic mutation (also known as c.4474A>T), located in coding exon 10 of the BRCA2 gene, results from an A to T substitution at nucleotide position 4474. This changes the amino acid from a lysine to a stop codon within coding exon 10. This alteration is expected to result in loss of function by premature protein truncation or nonsense-mediated mRNA decay. As such, this alteration is interpreted as a disease-causing mutation.

Counsyl
Classification: Likely pathogenic for Breast-ovarian cancer, familial, susceptibility to, 2. Last evaluated: 2016-11-09. Review status: no assertion criteria provided. Collection method: clinical testing. Allele origin: unknown. Not counted in ClinVar's aggregate classification.

Literature cited by the submitters: PubMed 20104584 (cited by Labcorp Genetics (formerly Invitae), Labcorp); PubMed 28294317 (cited by Labcorp Genetics (formerly Invitae), Labcorp); PubMed 30702160 (cited by Labcorp Genetics (formerly Invitae), Labcorp).